The following is an entry in ClinVar:

ClinVar aggregate classification (germline): Conflicting classifications of pathogenicity. Review status: criteria provided, conflicting classifications (1 of 4 stars). 10 submissions from 10 submitters: Uncertain significance (7); Benign (1); Likely benign (2). Last evaluated 2026-01-12.

Conditions:
Collagen 6-related myopathy. Identifiers: MedGen CN117976, MONDO:0100225.
Bethlem myopathy 1A. Also called: Bethlem myopathy 1; MYOPATHY, BENIGN CONGENITAL, WITH CONTRACTURES; Bethlem Muscular Dystrophy. Identifiers: Orphanet 610, MedGen CN029274, MONDO:0024530, OMIM 158810.

Allele frequency attached by ClinVar (database versions not stated): gnomAD 0.00015 and 0.00016; 1000 Genomes Project 30x 0.00016; TOPMed 0.00017; 1000 Genomes Project 0.00020; ExAC 0.00021; gnomAD exomes 0.00021; ESP Exome Variant Server 0.00023.
gnomAD v4.1: 425 of 1,614,154 alleles (0.026%); highest among the groups gnomAD compares: Non-Finnish European, 0.033%; no homozygotes.

Submissions (10):

Labcorp Genetics (formerly Invitae), Labcorp
Classification: Likely benign for Bethlem myopathy 1A. Last evaluated: 2026-01-12. Review status: criteria provided, single submitter. Criteria: Invitae Variant Classification Sherloc (09022015). Collection method: clinical testing. Allele origin: germline.

Women's Health and Genetics/Laboratory Corporation of America, LabCorp
Classification: Uncertain significance. Last evaluated: 2025-07-24. Review status: criteria provided, single submitter. Criteria: LabCorp Variant Classification Summary - May 2015. Collection method: clinical testing. Allele origin: germline.
Comment: Variant summary: COL6A3 c.1975C>T (p.Arg659Cys) results in a non-conservative amino acid change in the encoded protein sequence. Algorithms developed to predict the effect of missense changes on protein structure and function all suggest that this variant is likely to be disruptive. The variant allele was found at a frequency of 0.00021 in 250118 control chromosomes. This frequency is not significantly higher than estimated for a pathogenic variant in COL6A3 causing Ullrich congenital muscular dystrophy 1-AR (0.00021 vs 0.0035), allowing no conclusion about variant significance. c.1975C>T has been observed in at least one heterozygous individual affected with limb girdle muscular dystrophy (e.g. Nallamilli_2018). These report(s) do not provide unequivocal conclusions about association of the variant with Ullrich congenital muscular dystrophy 1-AR. To our knowledge, no experimental evidence demonstrating an impact on protein function has been reported. The following publication has been ascertained in the context of this evaluation (PMID: 30564623). ClinVar contains an entry for this variant (Variation ID: 282683). Based on the evidence outlined above, the variant was classified as uncertain significance.

Laboratory of Genetics, Children's Clinical University Hospital Latvia
Classification: Likely benign. Last evaluated: 2025-02-16. Review status: criteria provided, single submitter. Criteria: ACMG Guidelines, 2015. Collection method: clinical testing. Allele origin: germline. Affected: yes.

Mayo Clinic Laboratories, Mayo Clinic
Classification: Uncertain significance. Last evaluated: 2024-09-12. Review status: criteria provided, single submitter. Criteria: ACMG Guidelines, 2015. Collection method: clinical testing. Allele origin: germline. Observed: 4 variant alleles.
Comment: PP2, PP3

Blueprint Genetics
Classification: Uncertain significance. Last evaluated: 2024-06-17. Review status: criteria provided, single submitter. Criteria: ACMG Guidelines, 2015. Collection method: clinical testing. Allele origin: germline.

CeGaT Center for Human Genetics Tuebingen
Classification: Uncertain significance. Last evaluated: 2024-01-01. Review status: criteria provided, single submitter. Criteria: CeGaT Center For Human Genetics Tuebingen Variant Classification Criteria Version 2. Collection method: clinical testing. Allele origin: germline. Affected: yes. Observed: 1 variant allele.

GeneDx
Classification: Uncertain significance. Last evaluated: 2023-04-06. Review status: criteria provided, single submitter. Criteria: GeneDx Variant Classification Process June 2021. Collection method: clinical testing. Allele origin: germline. Affected: yes.
Comment: Reported as a variant of uncertain significance in an individual with limb-girdle muscular dystrophy who also harbored a second COL6A3 variant; phase was not reported (Nallamilli et al., 2018); Reported in the homozygous state in two siblings with suspected LGMD (Ozyilmaz et al., 2019); In silico analysis supports that this missense variant has a deleterious effect on protein structure/function; This variant is associated with the following publications: (PMID: 30564623, 31066050)

Revvity Omics, Revvity
Classification: Uncertain significance. Last evaluated: 2020-08-25. Review status: criteria provided, single submitter. Criteria: ACMG Guidelines, 2015. Collection method: clinical testing. Allele origin: germline.

Eurofins Ntd Llc (ga)
Classification: Uncertain significance. Last evaluated: 2018-07-24. Review status: criteria provided, single submitter. Criteria: EGL ClinVar v180209 classification definitions. Collection method: clinical testing. Allele origin: germline. Observed: 5 variant alleles, 5 heterozygotes.

Illumina Laboratory Services, Illumina
Classification: Benign for Collagen VI-related myopathy. Last evaluated: 2018-01-12. Review status: criteria provided, single submitter. Criteria: ICSL Variant Classification Criteria 13 December 2019. Collection method: clinical testing. Allele origin: germline.
Comment: This variant was observed in the ICSL laboratory as part of a predisposition screen in an ostensibly healthy population. It had not been previously curated by ICSL or reported in the Human Gene Mutation Database (HGMD: prior to June 1st, 2018), and was therefore a candidate for classification through an automated scoring system. Utilizing variant allele frequency, disease prevalence and penetrance estimates, and inheritance mode, an automated score was calculated to assess if this variant is too frequent to cause the disease. Based on the score and internal cut-off values, a variant classified as benign is not then subjected to further curation. The score for this variant resulted in a classification of benign for this disease.

Literature cited by the submitters: PubMed 30564623 (cited by Women's Health and Genetics/Laboratory Corporation of America, LabCorp and Mayo Clinic Laboratories, Mayo Clinic); PubMed 31066050 (cited by Mayo Clinic Laboratories, Mayo Clinic).

NM_004369.4(COL6A3):c.1975C>T (p.Arg659Cys)

Gene: COL6A3 (collagen type VI alpha 3 chain; minus strand). Cytogenetic location: 2q37.3.
Variant type: single nucleotide variant.
Coding change: c.1975C>T on transcript NM_004369.4 (MANE Select); coding-DNA position 1975, C replaced by T.
Protein change: p.Arg659Cys; replaces arginine 659 with cysteine.
Molecular consequence: missense variant. On other transcripts: intron variant (1).
Genome position (GRCh38, 1-based): chr2:237,379,158, G>A on the plus strand (C>T on the coding strand, the complement: COL6A3 is on the minus strand). VCF-style: chr2-237379158-G-A. GRCh37 (hg19) VCF-style: chr2-238287801-G-A.
Other names: p.Arg659Cys; c.754C>T, p.Arg252Cys (NM_057164.5); c.1357C>T, p.Arg453Cys (NM_057165.5, NM_057167.4); c.676+1757C>T (NM_057166.5); short protein forms R659C, R252C, R453C.
Identifiers: ClinVar variation 282683 (VCV000282683.48), dbSNP rs146291186, ClinGen allele CA2189504.
Genomic context (GRCh38, chr2:237,379,158, plus strand): 5'-CAACACGAATATTGTCATTTCCAATATCAAGGCTGTTAACTAGGTTCATTACAAAGTCGC[G>A]CACATAAGGGAAATTGGTTTTTCCAACGTTGGCTGATCCATCCAAAAGAAAGATGATATC-3'
Protein context (NP_004360.2, residues 649-669): NVGKTNFPYV[Arg659Cys]DFVMNLVNSL